The following is an entry in ClinVar:

ClinVar aggregate classification (germline): Pathogenic (1 of 4 stars; one submission).

Submission:

ISCA site 4
Classification: Pathogenic. Last evaluated: 2011-08-12. Review status: criteria provided, single submitter. Criteria: Kaminsky et al. (Genet Med. 2011). Collection method: clinical testing. Allele origin: unknown. Affected: yes. Observed: 1 variant allele.
Comment: Copy number variation identified through the course of routine clinical cytogenomic testing in postnatal populations. Clinical assertions have been curated as described in Kaminsky et al. 2011.

GRCh38/hg38 1p36.33-36.32(chr1:844347-3712147)x1

Genes: ACAP3 (ArfGAP with coiled-coil, ankyrin repeat and PH domains 3; minus strand), ACTRT2 (actin related protein T2; plus strand), AGRN (agrin; plus strand), ANKRD65 (ankyrin repeat domain 65; minus strand), ANKRD65-AS1 (ANKRD65 antisense RNA 1; plus strand) and 289 more. Cytogenetic location: 1p36.33-36.32.
Variant type: copy number loss.
Change: copy number 1 (one copy instead of two) of chr1:844,347-3,712,147 (2.87 Mb, GRCh38 coordinates, 1-based), cytogenetic band 1p36.33-36.32.
Identifiers: ClinVar variation 57218 (VCV000057218.1).